The following is an entry in ClinVar:

ClinVar aggregate classification (germline): Likely benign. Review status: criteria provided, multiple submitters, no conflicts (2 of 4 stars). 4 submissions from 4 submitters: Likely benign (2). 2 of the submissions do not count toward it. Last evaluated 2024-11-05.

Allele frequency attached by ClinVar (database versions not stated): 1000 Genomes Project 30x 0.00031; gnomAD 0.00048 and 0.00051; gnomAD exomes 0.00065.
gnomAD v4.1: 467 of 1,477,762 alleles (0.032%); highest among the groups gnomAD compares: Middle Eastern, 0.29%; 1 homozygote.

Submissions (4):

Blueprint Genetics
Classification: Likely benign. Last evaluated: 2024-11-05. Review status: criteria provided, single submitter. Criteria: ACMG Guidelines, 2015. Collection method: clinical testing. Allele origin: germline.

CeGaT Center for Human Genetics Tuebingen
Classification: Likely benign. Last evaluated: 2024-01-01. Review status: criteria provided, single submitter. Criteria: CeGaT Center For Human Genetics Tuebingen Variant Classification Criteria Version 2. Collection method: clinical testing. Allele origin: germline. Affected: yes. Observed: 2 variant alleles.
Comment: IRF2BPL: BP4, BP7, BS1

Clinical Genetics DNA and cytogenetics Diagnostics Lab, Erasmus MC, Erasmus Medical Center
Classification: Likely benign. Review status: no assertion criteria provided. Collection method: clinical testing. Allele origin: germline. Affected: yes. Study: VKGL Data-share Consensus. Not counted in ClinVar's aggregate classification.

Genome Diagnostics Laboratory, University Medical Center Utrecht
Classification: Likely benign. Review status: no assertion criteria provided. Collection method: clinical testing. Allele origin: germline. Affected: yes. Study: VKGL Data-share Consensus. Not counted in ClinVar's aggregate classification.

NM_024496.4(IRF2BPL):c.387C>T (p.Asn129=)

Gene: IRF2BPL (interferon regulatory factor 2 binding protein like; minus strand). Cytogenetic location: 14q24.3.
Variant type: single nucleotide variant.
Coding change: c.387C>T on transcript NM_024496.4 (MANE Select); coding-DNA position 387, C replaced by T.
Protein change: p.Asn129=; no amino-acid change (asparagine 129 retained).
Molecular consequence: synonymous variant.
Genome position (GRCh38, 1-based): chr14:77,027,406, G>A on the plus strand (C>T on the coding strand, the complement: IRF2BPL is on the minus strand). VCF-style: chr14-77027406-G-A. GRCh37 (hg19) VCF-style: chr14-77493749-G-A.
Identifiers: ClinVar variation 1285034 (VCV001285034.27), dbSNP rs767883776, ClinGen allele CA7283968.